The following is an entry in ClinVar:

ClinVar aggregate classification (germline): Pathogenic (1 of 4 stars; one submission).

Conditions:
Hereditary cancer-predisposing syndrome. Also called: Neoplastic Syndromes, Hereditary; Tumor predisposition; Hereditary Cancer Syndrome; Hereditary neoplastic syndrome. Identifiers: Orphanet 140162, MedGen C0027672, MeSH D009386, MONDO:0015356.

Submission:

Ambry Genetics
Classification: Pathogenic for Hereditary cancer-predisposing syndrome. Last evaluated: 2021-06-14. Review status: criteria provided, single submitter. Criteria: Ambry Variant Classification Scheme 2023. Collection method: clinical testing. Allele origin: germline.
Comment: The c.1599delT pathogenic mutation, located in coding exon 9 of the BRCA2 gene, results from a deletion of one nucleotide at nucleotide position 1599, causing a translational frameshift with a predicted alternate stop codon (p.E534Kfs*24). This alteration is expected to result in loss of function by premature protein truncation or nonsense-mediated mRNA decay. As such, this alteration is interpreted as a disease-causing mutation.

NM_000059.4(BRCA2):c.1599del (p.Glu534fs)

Gene: BRCA2 (BRCA2 DNA repair associated; plus strand). Cytogenetic location: 13q13.1.
Variant type: Deletion.
Coding change: c.1599del on transcript NM_000059.4 (MANE Select); coding-DNA position 1599, one base deleted (T; older notation c.1599delT).
Protein change: p.Glu534fs; shifts the reading frame from glutamic acid 534.
Molecular consequence: frameshift variant.
Genome position (GRCh38, 1-based): chr13:32,333,077, T deleted. VCF-style (leftmost placement, unchanged base first): chr13-32333076-CT-C. GRCh37 (hg19) VCF-style: chr13-32907213-CT-C.
Other names: c.1599delT, p.Glu534Lysfs (NM_001406719.1, NM_001406720.1, NM_001406721.1); short protein forms E534fs.
Identifiers: ClinVar variation 1776061 (VCV001776061.2), dbSNP rs2548520612, ClinGen allele CA2580087086.